The following is an entry in ClinVar:

NM_000812.4(GABRB1):c.1033G>C (p.Asp345His)

Gene: GABRB1 (gamma-aminobutyric acid type A receptor subunit beta1; plus strand). Cytogenetic location: 4p12.
Variant type: single nucleotide variant.
Coding change: c.1033G>C on transcript NM_000812.4 (MANE Select); coding-DNA position 1033, G replaced by C.
Protein change: p.Asp345His; replaces aspartic acid 345 with histidine.
Molecular consequence: missense variant.
Genome position (GRCh38, 1-based): chr4:47,406,879, G>C. VCF-style: chr4-47406879-G-C. GRCh37 (hg19) VCF-style: chr4-47408896-G-C.
Other names: short protein forms D345H.
Identifiers: ClinVar variation 1504558 (VCV001504558.10), dbSNP rs150598937, ClinGen allele CA356811942.

ClinVar aggregate classification (germline): Uncertain significance. Review status: criteria provided, multiple submitters, no conflicts (2 of 4 stars). 3 submissions from 3 submitters: Uncertain significance (3). Last evaluated 2025-03-18.

Conditions:
Developmental and epileptic encephalopathy, 45 (DEE45). Also called: Epileptic encephalopathy, early infantile, 45. Identifiers: MedGen C4310691, MONDO:0014942, OMIM 617153.

gnomAD v4.1: 5 of 1,614,096 alleles (0.00031%); highest among the groups gnomAD compares: Non-Finnish European, 0.00042%; no homozygotes.

Submissions (3):

Revvity Omics, Revvity
Classification: Uncertain significance for Developmental and epileptic encephalopathy, 45. Last evaluated: 2025-03-18. Review status: criteria provided, single submitter. Criteria: ACMG Guidelines, 2015. Collection method: clinical testing. Allele origin: germline.

Labcorp Genetics (formerly Invitae), Labcorp
Classification: Uncertain significance. Last evaluated: 2024-07-15. Review status: criteria provided, single submitter. Criteria: Invitae Variant Classification Sherloc (09022015). Collection method: clinical testing. Allele origin: germline.
Comment: This sequence change replaces aspartic acid, which is acidic and polar, with histidine, which is basic and polar, at codon 345 of the GABRB1 protein (p.Asp345His). This variant is not present in population databases (gnomAD no frequency). This variant has not been reported in the literature in individuals affected with GABRB1-related conditions. ClinVar contains an entry for this variant (Variation ID: 1504558). Advanced modeling of protein sequence and biophysical properties (such as structural, functional, and spatial information, amino acid conservation, physicochemical variation, residue mobility, and thermodynamic stability) performed at Invitae indicates that this missense variant is not expected to disrupt GABRB1 protein function with a negative predictive value of 80%. In summary, the available evidence is currently insufficient to determine the role of this variant in disease. Therefore, it has been classified as a Variant of Uncertain Significance.

Breakthrough Genomics
Classification: Uncertain significance. Review status: criteria provided, single submitter. Criteria: ACMG Guidelines, 2015. Collection method: not provided. Allele origin: germline. Inheritance: Autosomal dominant inheritance. Affected: yes.